The following is an entry in ClinVar:

ClinVar aggregate classification (germline): Uncertain significance (1 of 4 stars; one submission).

Conditions:
Malignant hyperthermia, susceptibility to, 5 (MHS5). Also called: CACNA1S-Related Malignant Hyperthermia Susceptibility. Identifiers: Orphanet 423, MedGen C1866077, MONDO:0011163, OMIM 601887.

gnomAD v4.1: 1 of 1,613,876 alleles (0.000062%); highest among the groups gnomAD compares: Non-Finnish European, 0.000085%; no homozygotes.

Submission:

All of Us Research Program, National Institutes of Health
Classification: Uncertain significance for Malignant hyperthermia, susceptibility to, 5. Last evaluated: 2023-03-28. Review status: criteria provided, single submitter. Criteria: ACMG Guidelines, 2015. Collection method: clinical testing. Allele origin: germline. Inheritance: Autosomal dominant inheritance. Observed: 1 variant allele, 1 heterozygote.
Comment: This study involves interpretation of variants in research participants for the purpose of population health screening. Participant phenotype was not available at the time of variant classification. Additional details can be found in publication PMID: 35346344, PMCID: PMC8962531

NM_000069.3(CACNA1S):c.3886G>A (p.Asp1296Asn)

Gene: CACNA1S (calcium voltage-gated channel subunit alpha1 S; minus strand). Cytogenetic location: 1q32.1.
Variant type: single nucleotide variant.
Coding change: c.3886G>A on transcript NM_000069.3 (MANE Select); coding-DNA position 3886, G replaced by A.
Protein change: p.Asp1296Asn; replaces aspartic acid 1296 with asparagine.
Molecular consequence: missense variant.
Genome position (GRCh38, 1-based): chr1:201,052,624, C>T on the plus strand (G>A on the coding strand, the complement: CACNA1S is on the minus strand). VCF-style: chr1-201052624-C-T. GRCh37 (hg19) VCF-style: chr1-201021752-C-T.
Other names: short protein forms D1296N.
Identifiers: ClinVar variation 3070016 (VCV003070016.1), dbSNP rs1436215728, ClinGen allele CA344152612.